The following is an entry in ClinVar:

NM_025215.6(PUS1):c.70_74dup (p.Ser26fs)

Gene: PUS1 (pseudouridine synthase 1; plus strand). Cytogenetic location: 12q24.33.
Variant type: Duplication.
Coding change: c.70_74dup on transcript NM_025215.6 (MANE Select); coding-DNA positions 70 to 74, 5 bases duplicated (TCCTG; older notation c.70_74dupTCCTG).
Protein change: p.Ser26fs; shifts the reading frame from serine 26.
Molecular consequence: frameshift variant. On other transcripts: intron variant (2).
Genome position (GRCh38, 1-based): chr12:131,929,792-131,929,796, TCCTG duplicated; duplicating any 5 consecutive bases within chr12:131,929,791-131,929,796 gives the same sequence; the c. name uses the placement nearest the transcript's 3' end. VCF-style (leftmost placement, unchanged base first): chr12-131929790-C-CGTCCT. GRCh37 (hg19) VCF-style: chr12-132414335-C-CGTCCT.
Other names: c.-10-115_-10-111dup (NM_001002019.3, NM_001002020.3); short protein forms S26fs.
Identifiers: ClinVar variation 1804836 (VCV001804836.2), dbSNP rs1323139544, ClinGen allele CA685462421.

ClinVar aggregate classification (germline): Pathogenic/Likely pathogenic. Review status: criteria provided, multiple submitters, no conflicts (2 of 4 stars). 2 submissions from 2 submitters: Pathogenic (1); Likely pathogenic (1). Last evaluated 2025-11-15.

Conditions:
Myopathy, lactic acidosis, and sideroblastic anemia 1 (MLASA1). Identifiers: Orphanet 2598, MedGen C4551958, MONDO:0024553, OMIM 600462.

Submissions (2):

Labcorp Genetics (formerly Invitae), Labcorp
Classification: Pathogenic. Last evaluated: 2025-11-15. Review status: criteria provided, single submitter. Criteria: Invitae Variant Classification Sherloc (09022015). Collection method: clinical testing. Allele origin: germline.
Comment: This sequence change creates a premature translational stop signal (p.Ser26Profs*111) in the PUS1 gene. It is expected to result in an absent or disrupted protein product. Loss-of-function variants in PUS1 are known to be pathogenic (PMID: 17056637, 19731322, 25058219, 26556812). This variant is not present in population databases (gnomAD no frequency). This variant has not been reported in the literature in individuals affected with PUS1-related conditions. ClinVar contains an entry for this variant (Variation ID: 1804836). For these reasons, this variant has been classified as Pathogenic.

Women's Health and Genetics/Laboratory Corporation of America, LabCorp
Classification: Likely pathogenic for Myopathy, lactic acidosis, and sideroblastic anemia 1. Last evaluated: 2022-11-25. Review status: criteria provided, single submitter. Criteria: LabCorp Variant Classification Summary - May 2015. Collection method: clinical testing. Allele origin: germline.
Comment: Variant summary: PUS1 c.70_74dupTCCTG (p.Ser26ProfsX111) results in an N-terminal premature termination codon in exon 1, predicted to cause a truncation of the encoded protein or absence of the protein due to nonsense mediated decay. A downstream in-frame start codon (ATG) is located in exon 2 at Met29, which is the start codon in two alternative transcripts (NM_001002019 and NM_001002020). However, pLoF variants upstream of this position have been reported in affected individuals (HGMD, ClinVar). The variant was absent in 215492 control chromosomes (gnomAD). To our knowledge, no occurrence of c.70_74dupTCCTG in individuals affected with Myopathy, Lactic Acidosis, and Sideroblastic Anemia 1 and no experimental evidence demonstrating its impact on protein function have been reported. No clinical diagnostic laboratories have submitted clinical-significance assessments for this variant to ClinVar after 2014. Based on the evidence outlined above, the variant was classified as likely pathogenic.

Literature cited by the submitters: PubMed 17056637 (cited by Labcorp Genetics (formerly Invitae), Labcorp); PubMed 19731322 (cited by Labcorp Genetics (formerly Invitae), Labcorp); PubMed 25058219 (cited by Labcorp Genetics (formerly Invitae), Labcorp); PubMed 26556812 (cited by Labcorp Genetics (formerly Invitae), Labcorp).